The following is an entry in ClinVar:

NM_000238.4(KCNH2):c.1128+222A>G

Gene: KCNH2 (potassium voltage-gated channel subfamily H member 2; minus strand). Cytogenetic location: 7q36.1.
Variant type: single nucleotide variant.
Coding change: c.1128+222A>G on transcript NM_000238.4 (MANE Select); 222 bases into the intron after coding-DNA position 1128, A replaced by G.
Molecular consequence: intron variant.
Genome position (GRCh38, 1-based): chr7:150,957,069, T>C on the plus strand (A>G on the coding strand, the complement: KCNH2 is on the minus strand). VCF-style: chr7-150957069-T-C. GRCh37 (hg19) VCF-style: chr7-150654157-T-C.
Other names: c.840+222A>G (NM_001406753.1, NM_001406756.1); c.1128+222A>G (NM_172056.3); c.951+222A>G (NM_001406755.1); c.828+222A>G (NM_001406757.1).
Identifiers: ClinVar variation 678666 (VCV000678666.3), dbSNP rs78690808, ClinGen allele CA169080690.

ClinVar aggregate classification (germline): Likely benign (1 of 4 stars; one submission).

Allele frequency attached by ClinVar (database versions not stated): 1000 Genomes Project 30x 0.00250; 1000 Genomes Project 0.00280; TOPMed 0.00509; gnomAD 0.00577 and 0.00595.
gnomAD v4.1: 863 of 152,180 alleles (0.57%); highest among the groups gnomAD compares: Non-Finnish European, 0.99%; 6 homozygotes.

Submission:

GeneDx
Classification: Likely benign. Last evaluated: 2018-06-14. Review status: criteria provided, single submitter. Criteria: GeneDx Variant Classification (06012015). Collection method: clinical testing. Allele origin: germline. Affected: yes.
Comment: This variant is considered likely benign or benign based on one or more of the following criteria: it is a conservative change, it occurs at a poorly conserved position in the protein, it is predicted to be benign by multiple in silico algorithms, and/or has population frequency not consistent with disease.